The following is an entry in ClinVar:

NM_006185.4(NUMA1):c.5940C>A (p.Gly1980=)

Genes: IL18BP (interleukin 18 binding protein; plus strand), NUMA1 (nuclear mitotic apparatus protein 1; minus strand). Cytogenetic location: 11q13.4.
Variant type: single nucleotide variant.
Coding change: c.5940C>A on transcript NM_006185.4 (MANE Select); coding-DNA position 5940, C replaced by A.
Protein change: p.Gly1980=; no amino-acid change (glycine 1980 retained).
Molecular consequence: synonymous variant. On other transcripts: non-coding transcript variant (1).
Genome position (GRCh38, 1-based): chr11:72,004,706, G>T on the plus strand (C>A on the coding strand, the complement: NUMA1 is on the minus strand). VCF-style: chr11-72004706-G-T. GRCh37 (hg19) VCF-style: chr11-71715752-G-T.
Other names: c.5898C>A, p.Gly1966= (NM_001286561.2).
Identifiers: ClinVar variation 3047738 (VCV003047738.2), dbSNP rs1305351499, ClinGen allele CA475583460.

ClinVar aggregate classification (germline): Likely benign (0 of 4 stars; one submission).

Conditions:
NUMA1-related disorder. Also called: NUMA1-related condition.

Submission:

PreventionGenetics, part of Exact Sciences
Classification: Likely benign for NUMA1-related condition. Last evaluated: 2019-03-26. Review status: no assertion criteria provided. Collection method: clinical testing. Allele origin: germline.
Comment: This variant is classified as likely benign based on ACMG/AMP sequence variant interpretation guidelines (Richards et al. 2015 PMID: 25741868, with internal and published modifications).